The following is an entry in ClinVar:

NM_031407.7(HUWE1):c.11252-8T>C

Gene: HUWE1 (HECT, UBA and WWE domain containing E3 ubiquitin protein ligase 1; minus strand). Cytogenetic location: Xp11.22.
Variant type: single nucleotide variant.
Coding change: c.11252-8T>C on transcript NM_031407.7 (MANE Select); 8 bases into the intron before coding-DNA position 11252, T replaced by C.
Molecular consequence: intron variant.
Genome position (GRCh38, 1-based): chrX:53,543,976, A>G on the plus strand (T>C on the coding strand, the complement: HUWE1 is on the minus strand). VCF-style: chrX-53543976-A-G. GRCh37 (hg19) VCF-style: chrX-53570937-A-G.
Identifiers: ClinVar variation 511307 (VCV000511307.1), dbSNP rs781802926, ClinGen allele CA10421407.

ClinVar aggregate classification (germline): Likely benign (1 of 4 stars; one submission).

Allele frequency attached by ClinVar (database versions not stated): ExAC below 0.00001; gnomAD exomes below 0.00001; TOPMed below 0.00001; gnomAD 0.00001.
gnomAD v4.1: 5 of 1,186,732 alleles (0.00042%); highest among the groups gnomAD compares: African/African-American, 0.0035%; no homozygotes.

Submission:

GeneDx
Classification: Likely benign. Last evaluated: 2017-08-16. Review status: criteria provided, single submitter. Criteria: GeneDx Variant Classification (06012015). Collection method: clinical testing. Allele origin: germline. Affected: yes.
Comment: This variant is considered likely benign or benign based on one or more of the following criteria: it is a conservative change, it occurs at a poorly conserved position in the protein, it is predicted to be benign by multiple in silico algorithms, and/or has population frequency not consistent with disease.